The following is an entry in ClinVar:

NM_001001563.5(TIMM50):c.1046G>C (p.Arg349Pro)

Gene: TIMM50 (translocase of inner mitochondrial membrane 50; plus strand). Cytogenetic location: 19q13.2.
Variant type: single nucleotide variant.
Coding change: c.1046G>C on transcript NM_001001563.5 (MANE Select); coding-DNA position 1046, G replaced by C.
Protein change: p.Arg349Pro; replaces arginine 349 with proline.
Molecular consequence: missense variant.
Genome position (GRCh38, 1-based): chr19:39,489,804, G>C. VCF-style: chr19-39489804-G-C. GRCh37 (hg19) VCF-style: chr19-39980444-G-C.
Other names: c.707G>C, p.Arg236Pro (NM_001329559.2); short protein forms R349P, R236P.
Identifiers: ClinVar variation 1472966 (VCV001472966.6), dbSNP rs202166024, ClinGen allele CA405790964.
Genomic context (GRCh38, chr19:39,489,804, plus strand): 5'-TCTCCAAGTCCAACAAGCAGAACCTCTTCCTTGGCTCCCTCACCAGCCGCTTGTGGCCTC[G>C]CTCCAAACAGCCCTGAACTCTGGGCCTCCTCAAACTCAGTGCCTGGGTCCAGGGCCCCAG-3'
Protein context (NP_001001563.2, residues 339-353): LGSLTSRLWP[Arg349Pro]SKQP

ClinVar aggregate classification (germline): Uncertain significance (1 of 4 stars; one submission).

Submission:

Labcorp Genetics (formerly Invitae), Labcorp
Classification: Uncertain significance. Last evaluated: 2020-11-19. Review status: criteria provided, single submitter. Criteria: Invitae Variant Classification Sherloc (09022015). Collection method: clinical testing. Allele origin: germline.
Comment: In summary, the available evidence is currently insufficient to determine the role of this variant in disease. Therefore, it has been classified as a Variant of Uncertain Significance. Algorithms developed to predict the effect of missense changes on protein structure and function are either unavailable or do not agree on the potential impact of this missense change (SIFT: "Not Available"; PolyPhen-2: "Probably Damaging"; Align-GVGD: "Not Available"). This variant has not been reported in the literature in individuals with TIMM50-related conditions. This variant is not present in population databases (ExAC no frequency). This sequence change replaces arginine with proline at codon 452 of the TIMM50 protein (p.Arg452Pro). The arginine residue is highly conserved and there is a moderate physicochemical difference between arginine and proline.